The following is an entry in ClinVar:

NM_170606.3(KMT2C):c.12055C>T (p.Pro4019Ser)

Gene: KMT2C (lysine methyltransferase 2C; minus strand). Cytogenetic location: 7q36.1.
Variant type: single nucleotide variant.
Coding change: c.12055C>T on transcript NM_170606.3 (MANE Select); coding-DNA position 12055, C replaced by T.
Protein change: p.Pro4019Ser; replaces proline 4019 with serine.
Molecular consequence: missense variant.
Genome position (GRCh38, 1-based): chr7:152,154,351, G>A on the plus strand (C>T on the coding strand, the complement: KMT2C is on the minus strand). VCF-style: chr7-152154351-G-A. GRCh37 (hg19) VCF-style: chr7-151851436-G-A.
Other names: short protein forms P4019S.
Identifiers: ClinVar variation 4056002 (VCV004056002.1).

ClinVar aggregate classification (germline): Uncertain significance (1 of 4 stars; one submission).

Submission:

GeneDx
Classification: Uncertain significance. Last evaluated: 2025-01-03. Review status: criteria provided, single submitter. Criteria: GeneDx Variant Classification Process June 2021. Collection method: clinical testing. Allele origin: germline. Affected: yes.
Comment: Not observed at significant frequency in large population cohorts (gnomAD); In silico analysis supports that this missense variant has a deleterious effect on protein structure/function; Has not been previously published as pathogenic or benign to our knowledge